The following is an entry in ClinVar:

ClinVar aggregate classification (germline): Uncertain significance (1 of 4 stars; one submission).

Conditions:
Hereditary sensory neuropathy-deafness-dementia syndrome. Also called: HSN IE; Hereditary sensory neuropathy type IE; NEUROPATHY, HEREDITARY SENSORY, WITH HEARING LOSS AND DEMENTIA; Hereditary Sensory and Autonomic Neuropathy Type 1E (HSAN1E). Identifiers: Orphanet 456318, MedGen C3279885, MONDO:0013584, OMIM 614116.

Submission:

Labcorp Genetics (formerly Invitae), Labcorp
Classification: Uncertain significance for Hereditary sensory neuropathy-deafness-dementia syndrome. Last evaluated: 2023-07-14. Review status: criteria provided, single submitter. Criteria: Invitae Variant Classification Sherloc (09022015). Collection method: clinical testing. Allele origin: germline.
Comment: Algorithms developed to predict the effect of sequence changes on RNA splicing suggest that this variant may create or strengthen a splice site. In summary, the available evidence is currently insufficient to determine the role of this variant in disease. Therefore, it has been classified as a Variant of Uncertain Significance. This variant has not been reported in the literature in individuals affected with DNMT1-related conditions. This variant is not present in population databases (gnomAD no frequency). This sequence change falls in intron 33 of the DNMT1 gene. It does not directly change the encoded amino acid sequence of the DNMT1 protein.

NM_001130823.3(DNMT1):c.3807-8C>G

Gene: DNMT1 (DNA methyltransferase 1; minus strand). Cytogenetic location: 19p13.2.
Variant type: single nucleotide variant.
Coding change: c.3807-8C>G on transcript NM_001130823.3 (MANE Select); 8 bases into the intron before coding-DNA position 3807, C replaced by G.
Molecular consequence: intron variant.
Genome position (GRCh38, 1-based): chr19:10,139,825, G>C on the plus strand (C>G on the coding strand, the complement: DNMT1 is on the minus strand). VCF-style: chr19-10139825-G-C. GRCh37 (hg19) VCF-style: chr19-10250501-G-C.
Other names: c.3444-8C>G (NM_001318731.2); c.3759-8C>G (NM_001379.4, NM_001318730.2).
Identifiers: ClinVar variation 2827767 (VCV002827767.3), dbSNP rs2513777944, ClinGen allele CA2588326861.